The following is an entry in ClinVar:

NM_017617.5(NOTCH1):c.1533G>T (p.Glu511Asp)

Gene: NOTCH1 (notch receptor 1; minus strand). Cytogenetic location: 9q34.3.
Variant type: single nucleotide variant.
Coding change: c.1533G>T on transcript NM_017617.5 (MANE Select); coding-DNA position 1533, G replaced by T.
Protein change: p.Glu511Asp; replaces glutamic acid 511 with aspartic acid.
Molecular consequence: missense variant.
Genome position (GRCh38, 1-based): chr9:136,517,294, C>A on the plus strand (G>T on the coding strand, the complement: NOTCH1 is on the minus strand). VCF-style: chr9-136517294-C-A. GRCh37 (hg19) VCF-style: chr9-139411746-C-A.
Other names: short protein forms E511D.
Identifiers: ClinVar variation 1774674 (VCV001774674.9), dbSNP rs759834538, ClinGen allele CA5341759.

ClinVar aggregate classification (germline): Uncertain significance. Review status: criteria provided, multiple submitters, no conflicts (2 of 4 stars). 4 submissions from 4 submitters: Uncertain significance (4). Last evaluated 2025-05-29.

Conditions:
Adams-Oliver syndrome 5 (AOS5). Identifiers: Orphanet 974, MedGen C4014970, MONDO:0014459, OMIM 616028.
Familial thoracic aortic aneurysm and aortic dissection (TAAD). Also called: Thoracic aortic aneurysms and dissections. Identifiers: Orphanet 91387, MedGen C4707243, MONDO:0019625.

Allele frequency attached by ClinVar (database versions not stated): ExAC 0.00001; gnomAD exomes 0.00001.
gnomAD v4.1: 3 of 1,607,668 alleles (0.00019%); highest among the groups gnomAD compares: Non-Finnish European, 0.00025%; no homozygotes.

Submissions (4):

GeneDx
Classification: Uncertain significance. Last evaluated: 2025-05-29. Review status: criteria provided, single submitter. Criteria: GeneDx Variant Classification Process June 2021. Collection method: clinical testing. Allele origin: germline. Affected: yes.
Comment: Has not been previously published as pathogenic or benign to our knowledge; Not observed at significant frequency in large population cohorts (gnomAD); In silico analysis suggests that this missense variant does not alter protein structure/function

Ambry Genetics
Classification: Uncertain significance for Familial thoracic aortic aneurysm and aortic dissection. Last evaluated: 2024-09-08. Review status: criteria provided, single submitter. Criteria: Ambry Variant Classification Scheme 2023. Collection method: clinical testing. Allele origin: germline.
Comment: The p.E511D variant (also known as c.1533G>T), located in coding exon 9 of the NOTCH1 gene, results from a G to T substitution at nucleotide position 1533. The glutamic acid at codon 511 is replaced by aspartic acid, an amino acid with highly similar properties. This amino acid position is not well conserved in available vertebrate species. In addition, this alteration is predicted to be tolerated by in silico analysis. Since supporting evidence is limited at this time, the clinical significance of this alteration remains unclear.

Labcorp Genetics (formerly Invitae), Labcorp
Classification: Uncertain significance for Adams-Oliver syndrome 5. Last evaluated: 2024-05-07. Review status: criteria provided, single submitter. Criteria: Invitae Variant Classification Sherloc (09022015). Collection method: clinical testing. Allele origin: germline.
Comment: This sequence change replaces glutamic acid, which is acidic and polar, with aspartic acid, which is acidic and polar, at codon 511 of the NOTCH1 protein (p.Glu511Asp). The frequency data for this variant in the population databases is considered unreliable, as metrics indicate poor data quality at this position in the gnomAD database. This variant has not been reported in the literature in individuals affected with NOTCH1-related conditions. ClinVar contains an entry for this variant (Variation ID: 1774674). Advanced modeling of protein sequence and biophysical properties (such as structural, functional, and spatial information, amino acid conservation, physicochemical variation, residue mobility, and thermodynamic stability) performed at Invitae indicates that this missense variant is not expected to disrupt NOTCH1 protein function with a negative predictive value of 80%. In summary, the available evidence is currently insufficient to determine the role of this variant in disease. Therefore, it has been classified as a Variant of Uncertain Significance.

Revvity Omics, Revvity
Classification: Uncertain significance. Last evaluated: 2021-02-17. Review status: criteria provided, single submitter. Criteria: ACMG Guidelines, 2015. Collection method: clinical testing. Allele origin: germline.